The following is an entry in ClinVar:

ClinVar aggregate classification (germline): Uncertain significance (1 of 4 stars; one submission).

Conditions:
Fanconi anemia, complementation group W. Identifiers: MedGen C4521564, MONDO:0044325, OMIM 617784.

Submission:

Juno Genomics, Hangzhou Juno Genomics, Inc
Classification: Uncertain significance for Fanconi anemia, complementation group W. Review status: criteria provided, single submitter. Criteria: ACMG Guidelines, 2015. Collection method: clinical testing. Allele origin: germline.
Comment: Absent from controls (or at extremely low frequency if recessive) in Genome Aggregation Database.

NM_018124.4(RFWD3):c.1056del (p.Ser353fs)

Gene: RFWD3 (ring finger and WD repeat domain 3; minus strand). Cytogenetic location: 16q23.1.
Variant type: Deletion.
Coding change: c.1056del on transcript NM_018124.4 (MANE Select); coding-DNA position 1056, one base deleted (T; older notation c.1056delT).
Protein change: p.Ser353fs; shifts the reading frame from serine 353.
Molecular consequence: frameshift variant.
Genome position (GRCh38, 1-based): chr16:74,644,385, A deleted on the plus strand (T on the coding strand, the reverse complement: RFWD3 is on the minus strand). VCF-style (leftmost placement, unchanged base first): chr16-74644384-TA-T. GRCh37 (hg19) VCF-style: chr16-74678282-TA-T.
Other names: c.1056del, p.Ser353fs (NM_001370534.1, NM_001370535.1, NM_001370536.1); c.222del, p.Ser75fs (NM_001370537.1, NM_001370539.1, NM_001370540.1 and 2 more transcripts); short protein forms S353fs, S75fs.
Identifiers: ClinVar variation 5005636 (VCV005005636.2).